The following is an entry in ClinVar:

ClinVar aggregate classification (germline): Uncertain significance (1 of 4 stars; one submission).

Allele frequency attached by ClinVar (database versions not stated): gnomAD exomes 0.00001; TOPMed 0.00001.
gnomAD v4.1: 13 of 1,535,968 alleles (0.00085%); highest among the groups gnomAD compares: Middle Eastern, 0.017%; no homozygotes.

Submission:

Labcorp Genetics (formerly Invitae), Labcorp
Classification: Uncertain significance. Last evaluated: 2022-10-03. Review status: criteria provided, single submitter. Criteria: Invitae Variant Classification Sherloc (09022015). Collection method: clinical testing. Allele origin: germline.
Comment: In summary, the available evidence is currently insufficient to determine the role of this variant in disease. Therefore, it has been classified as a Variant of Uncertain Significance. Experimental studies and prediction algorithms are not available or were not evaluated, and the effect of this variant on mRNA splicing is currently unknown. This variant has not been reported in the literature in individuals affected with C2CD3-related conditions. This variant is present in population databases (no rsID available, gnomAD 0.004%). This sequence change affects codon 2262 of the C2CD3 mRNA. It is a 'silent' change, meaning that it does not change the encoded amino acid sequence of the C2CD3 protein. The C2CD3 gene has multiple clinically relevant transcripts. This variant occurs in alternate transcript alternate transcript NM_001286577.1, and corresponds to NM_015531.5:c.*1224G>A in the primary transcript.

NM_001286577.2(C2CD3):c.6786G>A (p.Thr2262=)

Gene: C2CD3 (C2 domain containing 3 centriole elongation regulator; minus strand). Cytogenetic location: 11q13.4.
Variant type: single nucleotide variant.
Coding change: c.6786G>A on transcript NM_001286577.2 (MANE Select); coding-DNA position 6786, G replaced by A.
Protein change: p.Thr2262=; no amino-acid change (threonine 2262 retained).
Molecular consequence: synonymous variant.
Genome position (GRCh38, 1-based): chr11:74,033,374, C>T on the plus strand (G>A on the coding strand, the complement: C2CD3 is on the minus strand). VCF-style: chr11-74033374-C-T. GRCh37 (hg19) VCF-style: chr11-73744419-C-T.
Identifiers: ClinVar variation 1933900 (VCV001933900.5), dbSNP rs866076262, ClinGen allele CA224505412.